The following is an entry in ClinVar:

NM_003285.3(TNR):c.1706G>T (p.Arg569Leu)

Gene: TNR (tenascin R; minus strand). Cytogenetic location: 1q25.1.
Variant type: single nucleotide variant.
Coding change: c.1706G>T on transcript NM_003285.3 (MANE Select); coding-DNA position 1706, G replaced by T.
Protein change: p.Arg569Leu; replaces arginine 569 with leucine.
Molecular consequence: missense variant.
Genome position (GRCh38, 1-based): chr1:175,386,103, C>A on the plus strand (G>T on the coding strand, the complement: TNR is on the minus strand). VCF-style: chr1-175386103-C-A. GRCh37 (hg19) VCF-style: chr1-175355239-C-A.
Other names: c.707G>T, p.Arg236Leu (NM_001328635.2); short protein forms R569L, R236L.
Identifiers: ClinVar variation 3180560 (VCV003180560.9), dbSNP rs776579268, ClinGen allele CA1255867.

ClinVar aggregate classification (germline): Uncertain significance. Review status: criteria provided, multiple submitters, no conflicts (2 of 4 stars). 2 submissions from 2 submitters: Uncertain significance (2). Last evaluated 2025-08-01.

Conditions:
Inborn genetic diseases. Identifiers: MedGen C0950123, MeSH D030342.

Allele frequency attached by ClinVar (database versions not stated): ExAC 0.00001.
gnomAD v4.1: 61 of 1,612,548 alleles (0.0038%); highest among the groups gnomAD compares: Non-Finnish European, 0.0046%; no homozygotes.

Submissions (2):

CeGaT Center for Human Genetics Tuebingen
Classification: Uncertain significance. Last evaluated: 2025-08-01. Review status: criteria provided, single submitter. Criteria: CeGaT Center For Human Genetics Tuebingen Variant Classification Criteria Version 2. Collection method: clinical testing. Allele origin: germline. Affected: yes. Observed: 1 variant allele.
Comment: TNR: PM2, BP4

Ambry Genetics
Classification: Uncertain significance for Inborn genetic diseases. Last evaluated: 2023-09-29. Review status: criteria provided, single submitter. Criteria: Ambry Variant Classification Scheme 2023. Collection method: clinical testing. Allele origin: germline.